The following is an entry in ClinVar:

NM_000540.3(RYR1):c.2338dup (p.Val780fs)

Gene: RYR1 (ryanodine receptor 1; plus strand). Cytogenetic location: 19q13.2.
Variant type: Duplication.
Coding change: c.2338dup on transcript NM_000540.3 (MANE Select); coding-DNA position 2338, one base duplicated (G; older notation c.2338dupG).
Protein change: p.Val780fs; shifts the reading frame from valine 780.
Molecular consequence: frameshift variant.
Genome position (GRCh38, 1-based): chr19:38,459,316, G duplicated. VCF-style (leftmost placement, unchanged base first): chr19-38459315-T-TG. GRCh37 (hg19) VCF-style: chr19-38949955-T-TG.
Other names: c.2338dup, p.Val780fs (NM_001042723.2); short protein forms V780fs.
Identifiers: ClinVar variation 931453 (VCV000931453.3), dbSNP rs1967603354, ClinGen allele CA1139666433.

ClinVar aggregate classification (germline): Likely pathogenic (1 of 4 stars; one submission).

Conditions:
Congenital myopathy with fiber type disproportion. Also called: Congenital fiber-type disproportion myopathy; Congenital fiber-type disproportion. Identifiers: Orphanet 2020, MedGen C0546264, MONDO:0009711. Inheritance: all.

Submission:

Centre for Mendelian Genomics, University Medical Centre Ljubljana
Classification: Likely pathogenic for Congenital myopathy 4A, autosomal dominant. Last evaluated: 2016-01-01. Review status: criteria provided, single submitter. Criteria: ACMG Guidelines, 2015. Collection method: clinical testing. Allele origin: unknown. Affected: yes.
Comment: This variant was classified as: Likely pathogenic. The following ACMG criteria were applied in classifying this variant: PVS1,PM2.